The following is an entry in ClinVar:

ClinVar aggregate classification (germline): Uncertain significance (1 of 4 stars; one submission).

Conditions:
CRYGS-related disorder. Also called: CRYGS-related condition.

gnomAD v4.1: 2 of 1,613,982 alleles (0.00012%); highest among the groups gnomAD compares: Non-Finnish European, 0.00017%; no homozygotes.

Submission:

PreventionGenetics, part of Exact Sciences
Classification: Uncertain significance for CRYGS-related condition. Last evaluated: 2026-04-21. Review status: criteria provided, single submitter. Criteria: ACMG Guidelines, 2015. Collection method: clinical testing. Allele origin: germline.
Comment: The CRYGS c.37G>T variant is predicted to result in the amino acid substitution p.Asp13Tyr. To our knowledge, this variant has not been reported in the literature. This variant is present in 0.00088% of alleles in individuals of European (Non-Finnish) descent in gnomAD. At this time, the clinical significance of this variant is uncertain due to the absence of conclusive functional and genetic evidence.

NM_017541.4(CRYGS):c.37G>T (p.Asp13Tyr)

Gene: CRYGS (crystallin gamma S; minus strand). Cytogenetic location: 3q27.3.
Variant type: single nucleotide variant.
Coding change: c.37G>T on transcript NM_017541.4 (MANE Select); coding-DNA position 37, G replaced by T.
Protein change: p.Asp13Tyr; replaces aspartic acid 13 with tyrosine.
Molecular consequence: missense variant.
Genome position (GRCh38, 1-based): chr3:186,539,582, C>A on the plus strand (G>T on the coding strand, the complement: CRYGS is on the minus strand). VCF-style: chr3-186539582-C-A. GRCh37 (hg19) VCF-style: chr3-186257371-C-A.
Other names: short protein forms D13Y.
Identifiers: ClinVar variation 5000727 (VCV005000727.1).
Genomic context (GRCh38, chr3:186,539,582, plus strand): 5'-ATGTGTGGAAATCTGCACAGTCGCAATCACAGTCATAGCGACGGCCTTGAAAATTTTTGT[C>A]TTCATAGAAAGTAATCTGAAGTAGAGGGCCAACAGAGAAAGAGCTGAGGAGCTGGGTGGC-3'
Protein context (NP_060011.1, residues 3-23): KTGTKITFYE[Asp13Tyr]KNFQGRRYDC